The following is an entry in ClinVar:

ClinVar aggregate classification (germline): Uncertain significance (1 of 4 stars; one submission).

Allele frequency attached by ClinVar (database versions not stated): gnomAD exomes 0.00001; ExAC 0.00003; gnomAD 0.00007; ESP Exome Variant Server 0.00008; TOPMed 0.00009.
gnomAD v4.1: 21 of 1,614,066 alleles (0.0013%); highest among the groups gnomAD compares: African/African-American, 0.02%; no homozygotes.

Submission:

Labcorp Genetics (formerly Invitae), Labcorp
Classification: Uncertain significance. Last evaluated: 2025-04-14. Review status: criteria provided, single submitter. Criteria: Invitae Variant Classification Sherloc (09022015). Collection method: clinical testing. Allele origin: germline.
Comment: This sequence change replaces serine, which is neutral and polar, with asparagine, which is neutral and polar, at codon 442 of the BACH2 protein (p.Ser442Asn). This variant is present in population databases (rs370659668, gnomAD 0.01%). This variant has not been reported in the literature in individuals affected with BACH2-related conditions. ClinVar contains an entry for this variant (Variation ID: 1923043). Invitae Evidence Modeling of protein sequence and biophysical properties (such as structural, functional, and spatial information, amino acid conservation, physicochemical variation, residue mobility, and thermodynamic stability) indicates that this missense variant is not expected to disrupt BACH2 protein function with a negative predictive value of 80%. Algorithms developed to predict the effect of sequence changes on RNA splicing suggest that this variant may create or strengthen a splice site. In summary, the available evidence is currently insufficient to determine the role of this variant in disease. Therefore, it has been classified as a Variant of Uncertain Significance.

NM_021813.4(BACH2):c.1325G>A (p.Ser442Asn)

Gene: BACH2 (BACH transcriptional regulator 2; minus strand). Cytogenetic location: 6q15.
Variant type: single nucleotide variant.
Coding change: c.1325G>A on transcript NM_021813.4 (MANE Select); coding-DNA position 1325, G replaced by A.
Protein change: p.Ser442Asn; replaces serine 442 with asparagine.
Molecular consequence: missense variant.
Genome position (GRCh38, 1-based): chr6:89,950,781, C>T on the plus strand (G>A on the coding strand, the complement: BACH2 is on the minus strand). VCF-style: chr6-89950781-C-T. GRCh37 (hg19) VCF-style: chr6-90660500-C-T.
Other names: c.1325G>A, p.Ser442Asn (NM_001170794.2); short protein forms S442N.
Identifiers: ClinVar variation 1923043 (VCV001923043.5), dbSNP rs370659668, ClinGen allele CA3928007.
Genomic context (GRCh38, chr6:89,950,781, plus strand): 5'-ACCGGCTCAGAGAGGTCTTTGTCCAAACTGCTCACCCCAGAATAAGAATGCACCGAGGTG[C>T]TCACTTGGTCACAAGCGCTGGAGGAGAAGATCACGCTCCTCCGGTCCAGCTCTCCCTCCT-3'
Protein context (NP_068585.1, residues 432-452): IFSSSACDQV[Ser442Asn]TSVHSYSGVS